The following is an entry in ClinVar:

ClinVar aggregate classification (germline): Uncertain significance. Review status: criteria provided, multiple submitters, no conflicts (2 of 4 stars). 2 submissions from 2 submitters: Uncertain significance (2). Last evaluated 2024-12-28.

Conditions:
Long QT syndrome (LQTS). Identifiers: MedGen C0023976, MeSH D008133, MONDO:0002442. Disease mechanism: loss of function. Inheritance: Various modes of inheritance.
Cardiovascular phenotype. Identifiers: MedGen CN230736.

Submissions (2):

Ambry Genetics
Classification: Uncertain significance for Cardiovascular phenotype. Last evaluated: 2024-12-28. Review status: criteria provided, single submitter. Criteria: Ambry Variant Classification Scheme 2023. Collection method: clinical testing. Allele origin: germline.
Comment: The p.M717T variant (also known as c.2150T>C), located in coding exon 8 of the AKAP9 gene, results from a T to C substitution at nucleotide position 2150. The methionine at codon 717 is replaced by threonine, an amino acid with similar properties. This amino acid position is conserved. In addition, this alteration is predicted to be tolerated by in silico analysis. Based on the available evidence, the clinical significance of this variant remains unclear.

Labcorp Genetics (formerly Invitae), Labcorp
Classification: Uncertain significance for Long QT syndrome. Last evaluated: 2022-03-19. Review status: criteria provided, single submitter. Criteria: Invitae Variant Classification Sherloc (09022015). Collection method: clinical testing. Allele origin: germline.
Comment: In summary, the available evidence is currently insufficient to determine the role of this variant in disease. Therefore, it has been classified as a Variant of Uncertain Significance. Algorithms developed to predict the effect of missense changes on protein structure and function are either unavailable or do not agree on the potential impact of this missense change (SIFT: "Deleterious"; PolyPhen-2: "Possibly Damaging"; Align-GVGD: "Class C0"). ClinVar contains an entry for this variant (Variation ID: 1058969). This variant has not been reported in the literature in individuals affected with AKAP9-related conditions. This variant is not present in population databases (gnomAD no frequency). This sequence change replaces methionine, which is neutral and non-polar, with threonine, which is neutral and polar, at codon 717 of the AKAP9 protein (p.Met717Thr).

NM_005751.5(AKAP9):c.2150T>C (p.Met717Thr)

Gene: AKAP9 (A-kinase anchoring protein 9; plus strand). Cytogenetic location: 7q21.2.
Variant type: single nucleotide variant.
Coding change: c.2150T>C on transcript NM_005751.5 (MANE Select); coding-DNA position 2150, T replaced by C.
Protein change: p.Met717Thr; replaces methionine 717 with threonine.
Molecular consequence: missense variant.
Genome position (GRCh38, 1-based): chr7:92,002,067, T>C. VCF-style: chr7-92002067-T-C. GRCh37 (hg19) VCF-style: chr7-91631381-T-C.
Other names: c.2150T>C, p.Met717Thr (NM_147185.3); c.2150T>C (NM_005751.4); short protein forms M717T.
Identifiers: ClinVar variation 1058969 (VCV001058969.10), dbSNP rs2130667121, ClinGen allele CA368123437.